The following is an entry in ClinVar:

NM_000146.4(FTL):c.523G>T (p.Asp175Tyr)

Gene: FTL (ferritin light chain; plus strand). Cytogenetic location: 19q13.33.
Variant type: single nucleotide variant.
Coding change: c.523G>T on transcript NM_000146.4 (MANE Select); coding-DNA position 523, G replaced by T.
Protein change: p.Asp175Tyr; replaces aspartic acid 175 with tyrosine.
Molecular consequence: missense variant.
Genome position (GRCh38, 1-based): chr19:48,966,730, G>T. VCF-style: chr19-48966730-G-T. GRCh37 (hg19) VCF-style: chr19-49469987-G-T.
Other names: short protein forms D175Y.
Identifiers: ClinVar variation 1376747 (VCV001376747.8), dbSNP rs1422409524, ClinGen allele CA406757641.

ClinVar aggregate classification (germline): Uncertain significance (1 of 4 stars; one submission).

Conditions:
Hereditary hyperferritinemia with congenital cataracts. Also called: Hereditary hyperferritinemia cataract syndrome; Bonneau-Beaumont syndrome; HYPERFERRITINEMIA WITH OR WITHOUT CATARACT. Identifiers: Orphanet 163, MedGen C1833213, MONDO:0010952, OMIM 600886.
Neuroferritinopathy (NBIA3). Also called: NEURODEGENERATION WITH BRAIN IRON ACCUMULATION 3; BASAL GANGLIA DISEASE, ADULT-ONSET. Identifiers: Orphanet 157846, MedGen C1853578, MONDO:0011638, OMIM 606159.

Submission:

Labcorp Genetics (formerly Invitae), Labcorp
Classification: Uncertain significance for Neuroferritinopathy; Hereditary hyperferritinemia with congenital cataracts. Last evaluated: 2022-05-27. Review status: criteria provided, single submitter. Criteria: Invitae Variant Classification Sherloc (09022015). Collection method: clinical testing. Allele origin: germline.
Comment: This sequence change replaces aspartic acid, which is acidic and polar, with tyrosine, which is neutral and polar, at codon 175 of the FTL protein (p.Asp175Tyr). This variant is not present in population databases (gnomAD no frequency). This variant has not been reported in the literature in individuals affected with FTL-related conditions. Algorithms developed to predict the effect of missense changes on protein structure and function are either unavailable or do not agree on the potential impact of this missense change (SIFT: "Tolerated"; PolyPhen-2: "Probably Damaging"; Align-GVGD: "Class C0"). In summary, the available evidence is currently insufficient to determine the role of this variant in disease. Therefore, it has been classified as a Variant of Uncertain Significance.